The following is an entry in ClinVar:

NM_000463.3(UGT1A1):c.175G>T (p.Val59Phe)

Genes: UGT1A6 (UDP glucuronosyltransferase family 1 member A6; plus strand), UGT1A7 (UDP glucuronosyltransferase family 1 member A7; plus strand), UGT1A8 (UDP glucuronosyltransferase family 1 member A8; plus strand), UGT1A9 (UDP glucuronosyltransferase family 1 member A9; plus strand), UGT1A5 (UDP glucuronosyltransferase family 1 member A5; plus strand) and 5 more. Cytogenetic location: 2q37.1.
Variant type: single nucleotide variant.
Coding change: c.175G>T on transcript NM_000463.3 (MANE Select); coding-DNA position 175, G replaced by T.
Protein change: p.Val59Phe; replaces valine 59 with phenylalanine.
Molecular consequence: missense variant. On other transcripts: intron variant (9).
Genome position (GRCh38, 1-based): chr2:233,760,462, G>T. VCF-style: chr2-233760462-G-T. GRCh37 (hg19) VCF-style: chr2-234669108-G-T.
Other names: c.856-6572G>T (NM_021027.3, NM_019077.3, NM_019076.5 and 1 more transcripts); c.61-6572G>T (NM_205862.3); c.862-6572G>T (NM_001072.4); c.868-6572G>T (NM_019078.2, NM_007120.3, NM_019093.4); short protein forms V59F.
Identifiers: ClinVar variation 1175994 (VCV001175994.40), dbSNP rs1297484811, ClinGen allele CA351066026.

ClinVar aggregate classification (germline): Uncertain significance. Review status: criteria provided, multiple submitters, no conflicts (2 of 4 stars). 2 submissions from 2 submitters: Uncertain significance (2). Last evaluated 2021-12-23.

Submissions (2):

Labcorp Genetics (formerly Invitae), Labcorp
Classification: Uncertain significance. Last evaluated: 2021-12-23. Review status: criteria provided, single submitter. Criteria: Invitae Variant Classification Sherloc (09022015). Collection method: clinical testing. Allele origin: germline.
Comment: This sequence change replaces valine, which is neutral and non-polar, with phenylalanine, which is neutral and non-polar, at codon 59 of the UGT1A1 protein (p.Val59Phe). This variant is not present in population databases (gnomAD no frequency). This variant has not been reported in the literature in individuals affected with UGT1A1-related conditions. ClinVar contains an entry for this variant (Variation ID: 1175994). Algorithms developed to predict the effect of missense changes on protein structure and function are either unavailable or do not agree on the potential impact of this missense change (SIFT: "Not Available"; PolyPhen-2: "Probably Damaging"; Align-GVGD: "Not Available"). In summary, the available evidence is currently insufficient to determine the role of this variant in disease. Therefore, it has been classified as a Variant of Uncertain Significance.

CeGaT Center for Human Genetics Tuebingen
Classification: Uncertain significance. Last evaluated: 2021-04-01. Review status: criteria provided, single submitter. Criteria: CeGaT Center For Human Genetics Tuebingen Variant Classification Criteria Version 2. Collection method: clinical testing. Allele origin: germline. Affected: yes. Observed: 1 variant allele.